The following is an entry in ClinVar:

NM_003172.4(SURF1):c.856T>C (p.Ser286Pro)

Gene: SURF1 (SURF1 cytochrome c oxidase assembly factor; minus strand). Cytogenetic location: 9q34.2.
Variant type: single nucleotide variant.
Coding change: c.856T>C on transcript NM_003172.4 (MANE Select); coding-DNA position 856, T replaced by C.
Protein change: p.Ser286Pro; replaces serine 286 with proline.
Molecular consequence: missense variant.
Genome position (GRCh38, 1-based): chr9:133,351,960, A>G on the plus strand (T>C on the coding strand, the complement: SURF1 is on the minus strand). VCF-style: chr9-133351960-A-G. GRCh37 (hg19) VCF-style: chr9-136218815-A-G.
Other names: c.529T>C, p.Ser177Pro (NM_001280787.1); short protein forms S177P, S286P.
Identifiers: ClinVar variation 2413124 (VCV002413124.6), dbSNP rs2119079774, ClinGen allele CA375693376.

ClinVar aggregate classification (germline): Conflicting classifications of pathogenicity. Review status: criteria provided, conflicting classifications (1 of 4 stars). 2 submissions from 2 submitters: Likely pathogenic (1); Uncertain significance (1). Last evaluated 2025-10-27.

Conditions:
Mitochondrial complex IV deficiency, nuclear type 1 (MC4DN1). Also called: Mitochondrial complex IV deficiency; Complex 4 mitochondrial respiratory chain deficiency; Deficiency of mitochondrial respiratory chain complex4; Complex IV deficiency; COX DEFICIENCY. Identifiers: MedGen C5435656, MONDO:0700250, OMIM 220110. Disease mechanism: loss of function.

Submissions (2):

Women's Health and Genetics/Laboratory Corporation of America, LabCorp
Classification: Uncertain significance. Last evaluated: 2025-10-27. Review status: criteria provided, single submitter. Criteria: LabCorp Variant Classification Summary - May 2015. Collection method: clinical testing. Allele origin: germline.
Comment: Variant summary: SURF1 c.856T>C (p.Ser286Pro) results in a non-conservative amino acid change in the encoded protein sequence. Algorithms developed to predict the effect of missense changes on protein structure and function all suggest that this variant is likely to be disruptive. The variant was absent in 250720 control chromosomes. The available data on variant occurrences in the general population are insufficient to allow any conclusion about variant significance. c.856T>C has been observed in at-least one individual affected with Leigh Syndrome (example: Kistol_2023). These report(s) do not provide unequivocal conclusions about association of the variant with Leigh Syndrome. To our knowledge, no experimental evidence demonstrating an impact on protein function has been reported. The following publication has been ascertained in the context of this evaluation (PMID: 36675121). ClinVar contains an entry for this variant (Variation ID: 2413124). Based on the evidence outlined above, the variant was classified as uncertain significance.

Laboratory of Inherited Metabolic Diseases, Research centre for medical genetics
Classification: Likely pathogenic for Mitochondrial complex IV deficiency, nuclear type 1. Last evaluated: 2023-01-31. Review status: criteria provided, single submitter. Criteria: ACMG Guidelines, 2015. Collection method: clinical testing. Allele origin: paternal. Inheritance: Autosomal recessive inheritance. Affected: yes. Observed: 1 variant allele.

Literature cited by the submitters: PubMed 36675121 (cited by Women's Health and Genetics/Laboratory Corporation of America, LabCorp).